The following is an entry in ClinVar:

ClinVar aggregate classification (germline): Uncertain significance. Review status: criteria provided, single submitter (1 of 4 stars). 2 submissions from 2 submitters: Uncertain significance (1). 1 of the submissions does not count toward it. Last evaluated 2023-11-13.

Conditions:
Usher syndrome type 2A. Also called: RETINAL DISEASE IN USHER SYNDROME TYPE IIA, MODIFIER OF; USHER SYNDROME, TYPE IIA. Identifiers: Orphanet 231178, Orphanet 886, MedGen C1848634, MONDO:0010169, OMIM 276901.

Allele frequency attached by ClinVar (database versions not stated): TOPMed below 0.00001.
gnomAD v4.1: 1 of 1,614,092 alleles (0.000062%); no homozygotes.

Submissions (2):

Labcorp Genetics (formerly Invitae), Labcorp
Classification: Uncertain significance. Last evaluated: 2023-11-13. Review status: criteria provided, single submitter. Criteria: Invitae Variant Classification Sherloc (09022015). Collection method: clinical testing. Allele origin: germline.
Comment: This sequence change replaces valine, which is neutral and non-polar, with methionine, which is neutral and non-polar, at codon 4255 of the USH2A protein (p.Val4255Met). This variant is not present in population databases (gnomAD no frequency). This variant has not been reported in the literature in individuals affected with USH2A-related conditions. ClinVar contains an entry for this variant (Variation ID: 1515220). Advanced modeling of protein sequence and biophysical properties (such as structural, functional, and spatial information, amino acid conservation, physicochemical variation, residue mobility, and thermodynamic stability) performed at Invitae indicates that this missense variant is not expected to disrupt USH2A protein function with a negative predictive value of 95%. In summary, the available evidence is currently insufficient to determine the role of this variant in disease. Therefore, it has been classified as a Variant of Uncertain Significance.

Natera, Inc.
Classification: Uncertain significance for Usher syndrome type 2A. Last evaluated: 2025-05-08. Review status: no assertion criteria provided. Collection method: clinical testing. Allele origin: germline. Not counted in ClinVar's aggregate classification.

NM_206933.4(USH2A):c.12763G>A (p.Val4255Met)

Gene: USH2A (usherin; minus strand). Cytogenetic location: 1q41.
Variant type: single nucleotide variant.
Coding change: c.12763G>A on transcript NM_206933.4 (MANE Select); coding-DNA position 12763, G replaced by A.
Protein change: p.Val4255Met; replaces valine 4255 with methionine.
Molecular consequence: missense variant.
Genome position (GRCh38, 1-based): chr1:215,675,148, C>T on the plus strand (G>A on the coding strand, the complement: USH2A is on the minus strand). VCF-style: chr1-215675148-C-T. GRCh37 (hg19) VCF-style: chr1-215848490-C-T.
Other names: c.12763G>A (NM_206933.2); short protein forms V4255M.
Identifiers: ClinVar variation 1515220 (VCV001515220.9), dbSNP rs1177374928, ClinGen allele CA344849260.